The following is an entry in ClinVar:

NM_019066.5(MAGEL2):c.705G>A (p.Pro235=)

Gene: MAGEL2 (MAGE family member L2; minus strand). Cytogenetic location: 15q11.2.
Variant type: single nucleotide variant.
Coding change: c.705G>A on transcript NM_019066.5 (MANE Select); coding-DNA position 705, G replaced by A.
Protein change: p.Pro235=; no amino-acid change (proline 235 retained).
Molecular consequence: synonymous variant.
Genome position (GRCh38, 1-based): chr15:23,647,038, C>T on the plus strand (G>A on the coding strand, the complement: MAGEL2 is on the minus strand). VCF-style: chr15-23647038-C-T. GRCh37 (hg19) VCF-style: chr15-23892185-C-T.
Identifiers: ClinVar variation 3677205 (VCV003677205.2).

ClinVar aggregate classification (germline): Uncertain significance (1 of 4 stars; one submission).

gnomAD v4.1: 6 of 1,536,252 alleles (0.00039%); highest among the groups gnomAD compares: Admixed American, 0.0059%; no homozygotes.

Submission:

Labcorp Genetics (formerly Invitae), Labcorp
Classification: Uncertain significance. Last evaluated: 2025-01-23. Review status: criteria provided, single submitter. Criteria: Invitae Variant Classification Sherloc (09022015). Collection method: clinical testing. Allele origin: germline.
Comment: This sequence change affects codon 235 of the MAGEL2 mRNA. It is a 'silent' change, meaning that it does not change the encoded amino acid sequence of the MAGEL2 protein. The frequency data for this variant in the population databases is considered unreliable, as metrics indicate poor data quality at this position in the gnomAD database. This variant has not been reported in the literature in individuals affected with MAGEL2-related conditions. In summary, the available evidence is currently insufficient to determine the role of this variant in disease. Therefore, it has been classified as a Variant of Uncertain Significance.